The following is an entry in ClinVar:

ClinVar aggregate classification (germline): Uncertain significance (1 of 4 stars; one submission).

Conditions:
Joubert syndrome. Also called: CEREBELLOPARENCHYMAL DISORDER IV; JOUBERT-BOLTSHAUSER SYNDROME; Familial aplasia of the vermis. Identifiers: Orphanet 475, MedGen C5979921, MONDO:0018772.
Orofaciodigital syndrome I (OFD1). Also called: OFDS I; Papillon-Leage and Psaume Syndrome; Oral-Facial-Digital Syndrome Type I. Identifiers: Orphanet 2750, MedGen C1510460, MONDO:0010702, OMIM 311200.

Allele frequency attached by ClinVar (database versions not stated): gnomAD exomes below 0.00001 and 0.00001; TOPMed below 0.00001; gnomAD 0.00001.
gnomAD v4.1: 2 of 1,168,270 alleles (0.00017%); highest among the groups gnomAD compares: African/African-American, 0.0035%; no homozygotes.

Submission:

Labcorp Genetics (formerly Invitae), Labcorp
Classification: Uncertain significance for Orofaciodigital syndrome I; Joubert syndrome. Last evaluated: 2025-06-12. Review status: criteria provided, single submitter. Criteria: Invitae Variant Classification Sherloc (09022015). Collection method: clinical testing. Allele origin: germline.
Comment: This sequence change replaces glutamic acid, which is acidic and polar, with lysine, which is basic and polar, at codon 823 of the OFD1 protein (p.Glu823Lys). This variant is present in population databases (no rsID available, gnomAD 0.008%). This variant has not been reported in the literature in individuals affected with OFD1-related conditions. ClinVar contains an entry for this variant (Variation ID: 1525131). Invitae Evidence Modeling of protein sequence and biophysical properties (such as structural, functional, and spatial information, amino acid conservation, physicochemical variation, residue mobility, and thermodynamic stability) indicates that this missense variant is not expected to disrupt OFD1 protein function with a negative predictive value of 80%. In summary, the available evidence is currently insufficient to determine the role of this variant in disease. Therefore, it has been classified as a Variant of Uncertain Significance.

NM_003611.3(OFD1):c.2467G>A (p.Glu823Lys)

Gene: OFD1 (OFD1 centriole and centriolar satellite protein; plus strand). Cytogenetic location: Xp22.2.
Variant type: single nucleotide variant.
Coding change: c.2467G>A on transcript NM_003611.3 (MANE Select); coding-DNA position 2467, G replaced by A.
Protein change: p.Glu823Lys; replaces glutamic acid 823 with lysine.
Molecular consequence: missense variant.
Genome position (GRCh38, 1-based): chrX:13,762,423, G>A. VCF-style: chrX-13762423-G-A. GRCh37 (hg19) VCF-style: chrX-13780542-G-A.
Other names: c.2347G>A, p.Glu783Lys (NM_001330209.2); c.2047G>A, p.Glu683Lys (NM_001330210.2); short protein forms E683K, E823K, E783K.
Identifiers: ClinVar variation 1525131 (VCV001525131.6), dbSNP rs1282756613, ClinGen allele CA412345339.